The following is an entry in ClinVar:

NM_006372.5(SYNCRIP):c.1043C>T (p.Thr348Ile)

Gene: SYNCRIP (synaptotagmin binding cytoplasmic RNA interacting protein; minus strand). Cytogenetic location: 6q14.3.
Variant type: single nucleotide variant.
Coding change: c.1043C>T on transcript NM_006372.5 (MANE Select); coding-DNA position 1043, C replaced by T.
Protein change: p.Thr348Ile; replaces threonine 348 with isoleucine.
Molecular consequence: missense variant.
Genome position (GRCh38, 1-based): chr6:85,619,383, G>A on the plus strand (C>T on the coding strand, the complement: SYNCRIP is on the minus strand). VCF-style: chr6-85619383-G-A. GRCh37 (hg19) VCF-style: chr6-86329101-G-A.
Other names: c.749C>T, p.Thr250Ile (NM_001159673.2, NM_001410938.1); c.938C>T, p.Thr313Ile (NM_001159674.2, NM_001159675.2); c.1043C>T, p.Thr348Ile (NM_001159676.2, NM_001159677.2); c.587C>T, p.Thr196Ile (NM_001253771.2); short protein forms T196I, T250I, T313I, T348I.
Identifiers: ClinVar variation 3776553 (VCV003776553.1).

ClinVar aggregate classification (germline): Uncertain significance (1 of 4 stars; one submission).

Submission:

GeneDx
Classification: Uncertain significance. Last evaluated: 2024-10-07. Review status: criteria provided, single submitter. Criteria: GeneDx Variant Classification Process June 2021. Collection method: clinical testing. Allele origin: germline. Affected: yes.
Comment: Not observed at significant frequency in large population cohorts (gnomAD); In silico analysis supports that this missense variant has a deleterious effect on protein structure/function; Has not been previously published as pathogenic or benign to our knowledge